The following is an entry in ClinVar:

ClinVar aggregate classification (germline): Likely benign (0 of 4 stars; one submission).

Conditions:
CFH-related disorder. Also called: CFH-related disorders; CFH-related condition.

Allele frequency attached by ClinVar (database versions not stated): gnomAD exomes below 0.00001; gnomAD 0.00001; TOPMed 0.00001.

Submission:

PreventionGenetics, part of Exact Sciences
Classification: Likely benign for CFH-related condition. Last evaluated: 2023-11-08. Review status: no assertion criteria provided. Collection method: clinical testing. Allele origin: germline.
Comment: This variant is classified as likely benign based on ACMG/AMP sequence variant interpretation guidelines (Richards et al. 2015 PMID: 25741868, with internal and published modifications).

NC_000001.11:g.196651799A>C

Gene: CFH (complement factor H; plus strand). Cytogenetic location: 1q31.3.
Variant type: single nucleotide variant.
Genome position: GRCh38 VCF-style: chr1-196651799-A-C. GRCh37 (hg19) VCF-style: chr1-196620929-A-C.
Identifiers: ClinVar variation 3054004 (VCV003054004.2), dbSNP rs1167191785, ClinGen allele CA729696607.